The following is an entry in ClinVar:

NM_001267550.2(TTN):c.4301del (p.Pro1434fs)

Genes: TTN (titin; minus strand), LOC101927055 (uncharacterized LOC101927055; plus strand). Cytogenetic location: 2q31.2.
Variant type: Deletion.
Coding change: c.4301del on transcript NM_001267550.2 (MANE Select); coding-DNA position 4301, one base deleted (C; older notation c.4301delC).
Protein change: p.Pro1434fs; shifts the reading frame from proline 1434.
Molecular consequence: frameshift variant. On other transcripts: non-coding transcript variant (1).
Genome position (GRCh38, 1-based): chr2:178,777,883, G deleted on the plus strand (C on the coding strand, the reverse complement: TTN is on the minus strand); the first of 4 consecutive G bases (chr2:178,777,883-178,777,886); deleting any one gives the same sequence. VCF-style (leftmost placement, unchanged base first): chr2-178777882-AG-A. GRCh37 (hg19) VCF-style: chr2-179642609-AG-A.
Other names: c.4301del, p.Pro1434fs (NM_001256850.1, NM_133378.4, NM_133379.5); c.4163del, p.Pro1388fs (NM_003319.4, NM_133432.3, NM_133437.4); short protein forms P1434fs, P1388fs.
Identifiers: ClinVar variation 2010874 (VCV002010874.4), dbSNP rs2532973654, ClinGen allele CA2580065154.

ClinVar aggregate classification (germline): Likely pathogenic (1 of 4 stars; one submission).

Conditions:
Dilated cardiomyopathy 1G (CMD1G). Identifiers: Orphanet 154, MedGen C1858763, MONDO:0011400, OMIM 604145.
Autosomal recessive limb-girdle muscular dystrophy type 2J (LGMDR10). Also called: Limb-girdle muscular dystrophy, type 2J; MUSCULAR DYSTROPHY, LIMB-GIRDLE, AUTOSOMAL RECESSIVE 10. Identifiers: Orphanet 140922, MedGen C1837342, MONDO:0012127, OMIM 608807.

Submission:

Labcorp Genetics (formerly Invitae), Labcorp
Classification: Likely pathogenic for Dilated cardiomyopathy 1G; Autosomal recessive limb-girdle muscular dystrophy type 2J. Last evaluated: 2024-10-18. Review status: criteria provided, single submitter. Criteria: Invitae Variant Classification Sherloc (09022015). Collection method: clinical testing. Allele origin: germline.
Comment: This sequence change creates a premature translational stop signal (p.Pro1434Leufs*28) in the TTN gene. While this is not anticipated to result in nonsense mediated decay, it is expected to create a truncated TTN protein. This variant is not present in population databases (gnomAD no frequency). This variant has not been reported in the literature in individuals affected with TTN-related conditions. ClinVar contains an entry for this variant (Variation ID: 2010874). This variant is located in the Z band of TTN (PMID: 25589632). Truncating variants in this region have been reported in individuals affected with autosomal recessive centronuclear myopathy (PMID: 33449170, internal data). Truncating variants in this region have also been identified in individuals affected with autosomal dominant dilated cardiomyopathy and/or cardio-related conditions (PMID: 27869827, 32964742, internal data). In summary, the currently available evidence indicates that the variant is pathogenic, but additional data are needed to prove that conclusively. Therefore, this variant has been classified as Likely Pathogenic.

Literature cited by the submitters: PubMed 25589632; PubMed 33449170; PubMed 27869827; PubMed 32964742.